The following is an entry in ClinVar:

ClinVar aggregate classification (germline): Uncertain significance (1 of 4 stars; one submission).

Allele frequency attached by ClinVar (database versions not stated): gnomAD exomes below 0.00001.
gnomAD v4.1: 3 of 1,614,108 alleles (0.00019%); highest among the groups gnomAD compares: Non-Finnish European, 0.00025%; no homozygotes.

Submission:

GeneDx
Classification: Uncertain significance. Last evaluated: 2020-05-11. Review status: criteria provided, single submitter. Criteria: GeneDx Variant Classification Process June 2021. Collection method: clinical testing. Allele origin: germline. Affected: yes.
Comment: Not observed in large population cohorts (Lek et al., 2016); In silico analysis supports that this missense variant does not alter protein structure/function; Has not been previously published as pathogenic or benign to our knowledge; A different missense change at this residue (G308V) has been reported in the Human Gene Mutation Database (Stenson et al., 2014)

NM_000097.7(CPOX):c.923G>A (p.Gly308Asp)

Gene: CPOX (coproporphyrinogen oxidase; minus strand). Cytogenetic location: 3q11.2.
Variant type: single nucleotide variant.
Coding change: c.923G>A on transcript NM_000097.7 (MANE Select); coding-DNA position 923, G replaced by A.
Protein change: p.Gly308Asp; replaces glycine 308 with aspartic acid.
Molecular consequence: missense variant.
Genome position (GRCh38, 1-based): chr3:98,588,743, C>T on the plus strand (G>A on the coding strand, the complement: CPOX is on the minus strand). VCF-style: chr3-98588743-C-T. GRCh37 (hg19) VCF-style: chr3-98307587-C-T.
Other names: short protein forms G308D.
Identifiers: ClinVar variation 1188556 (VCV001188556.2), dbSNP rs1707414546, ClinGen allele CA353645357.